The following is an entry in ClinVar:

ClinVar aggregate classification (germline): Conflicting classifications of pathogenicity. Review status: criteria provided, conflicting classifications (1 of 4 stars). 11 submissions from 9 submitters: Uncertain significance (9); Likely benign (1). 1 of the submissions does not count toward it. Last evaluated 2026-02-13.

Conditions:
Monogenic diabetes. Identifiers: Orphanet 183625, MedGen C3888631, MONDO:0015967.
ABCC8-related disorder.
Hereditary hyperinsulinism.
Permanent neonatal diabetes mellitus (PNDM). Identifiers: Orphanet 99885, MedGen C1833104, MONDO:0100164, MONDO:0011643. Disease mechanism: gain of function.
Hyperinsulinemic hypoglycemia, familial, 1 (HHF1). Also called: HYPERINSULINISM, FAMILIAL, WITH PANCREATIC NESIDIOBLASTOSIS; HYPOGLYCEMIA, HYPERINSULINEMIC, OF INFANCY; NESIDIOBLASTOSIS OF PANCREAS; Persistent hyperinsulinemic hypoglycemia of infancy; Persistent Hyperinsulinemia Hypoglycemia of Infancy. Identifiers: Orphanet 276575, Orphanet 276598, MedGen C2931832, MONDO:0009734, OMIM 256450.
Diabetes mellitus, transient neonatal, 2 (TNDM2). Identifiers: Orphanet 99886, MedGen C1835887, MONDO:0012480, OMIM 610374. Disease mechanism: loss of function.

Allele frequency attached by ClinVar (database versions not stated): ExAC 0.00002; gnomAD exomes 0.00003 and 0.00004; TOPMed 0.00003; gnomAD 0.00005.
gnomAD v4.1: 45 of 1,614,014 alleles (0.0028%); highest among the groups gnomAD compares: East Asian, 0.0022%; no homozygotes.

Submissions (11):

PreventionGenetics, part of Exact Sciences
Classification: Uncertain significance for ABCC8-related condition. Last evaluated: 2026-02-13. Review status: criteria provided, single submitter. Criteria: ACMG Guidelines, 2015. Collection method: clinical testing. Allele origin: germline.
Comment: The ABCC8 c.1067A>G variant is predicted to result in the amino acid substitution p.Tyr356Cys. This variant has been reported in the heterozygous state in association with adult-onset diabetes, and functional studies support its pathogenicity (Tarasov et al. 2008. PubMed ID: 18346985; Riveline et al. 2012. PubMed ID: 22210575). This variant is reported in 0.077% of alleles in individuals of Ashkenazi Jewish descent in gnomAD. Although we suspect that this variant may be pathogenic, at this time, the clinical significance of this variant is uncertain due to the absence of conclusive functional and genetic evidence.

Myriad Genetics, Inc.
Classification: Uncertain significance for Hyperinsulinemic hypoglycemia, familial, 1. Last evaluated: 2025-09-04. Review status: criteria provided, single submitter. Criteria: Myriad Autosomal Dominant, Autosomal Recessive and X-Linked Classification Criteria (2023). Collection method: clinical testing. Allele origin: unknown.
Comment: NM_000352.3(ABCC8):c.1067A>G(Y356C) is a missense variant classified as a variant of uncertain significance in the context of familial hyperinsulinism, ABCC8-related. Y356C has not been observed in cases with relevant disease. Relevant functional assessments of this variant are not available in the literature. Y356C has been observed in referenced population frequency databases. In summary, there is insufficient evidence to classify NM_000352.3(ABCC8):c.1067A>G(Y356C) as pathogenic or benign. Please note: this variant was assessed in the context of healthy population screening.

Labcorp Genetics (formerly Invitae), Labcorp
Classification: Uncertain significance. Last evaluated: 2025-05-27. Review status: criteria provided, single submitter. Criteria: Invitae Variant Classification Sherloc (09022015). Collection method: clinical testing. Allele origin: germline.
Comment: This sequence change replaces tyrosine, which is neutral and polar, with cysteine, which is neutral and slightly polar, at codon 356 of the ABCC8 protein (p.Tyr356Cys). This variant is present in population databases (rs59852838, gnomAD 0.09%). This missense change has been observed in individual(s) with clinical features of diabetes (PMID: 18346985, 22210575, 29207974). ClinVar contains an entry for this variant (Variation ID: 393429). Invitae Evidence Modeling of protein sequence and biophysical properties (such as structural, functional, and spatial information, amino acid conservation, physicochemical variation, residue mobility, and thermodynamic stability) indicates that this missense variant is expected to disrupt ABCC8 protein function with a positive predictive value of 95%. Experimental studies have shown that this missense change affects ABCC8 function (PMID: 18346985). In summary, the available evidence is currently insufficient to determine the role of this variant in disease. Therefore, it has been classified as a Variant of Uncertain Significance.

Women's Health and Genetics/Laboratory Corporation of America, LabCorp
Classification: Uncertain significance. Last evaluated: 2022-05-03. Review status: criteria provided, single submitter. Criteria: LabCorp Variant Classification Summary - May 2015. Collection method: clinical testing. Allele origin: germline.
Comment: Variant summary: ABCC8 c.1067A>G (p.Tyr356Cys) results in a non-conservative amino acid change located in the ABC transporter type 1, transmembrane domain of the encoded protein sequence. Five of five in-silico tools predict a damaging effect of the variant on protein function. The variant allele was found at a frequency of 4e-05 in 251460 control chromosomes. This frequency is not significantly higher than expected for a pathogenic variant in ABCC8 causing Familial Hyperinsulinism (4e-05 vs 0.0034), allowing no conclusion about variant significance. c.1067A>G has been reported in the literature in individuals affected with hyperglycemia, or impaired glucose tolerance. These reports do not provide unequivocal conclusions about association of the variant with Familial Hyperinsulinism. One experimental study showed that single KATP channels incorporating SUR1-Y356C displayed lower sensitivity to MgATP. Five clinical diagnostic laboratories have submitted clinical-significance assessments for this variant to ClinVar after 2014 without evidence for independent evaluation (Likely benign n=1, VUS n=4). Based on the evidence outlined above, the variant was classified as uncertain significance.

New York Genome Center
Classification: Uncertain significance for Type 2 diabetes mellitus; Hyperinsulinemic hypoglycemia, familial, 1. Last evaluated: 2022-02-23. Review status: criteria provided, single submitter. Criteria: NYGC Assertion Criteria 2020. Collection method: clinical testing. Allele origin: germline. Observed: 1 heterozygote.

Athena Diagnostics
Classification: Uncertain significance. Last evaluated: 2018-07-06. Review status: criteria provided, single submitter. Criteria: Athena Diagnostics Criteria. Collection method: clinical testing. Allele origin: germline.

Illumina Laboratory Services, Illumina
Classification: Uncertain significance for Permanent neonatal diabetes mellitus 1. Last evaluated: 2017-04-28. Review status: criteria provided, single submitter. Criteria: ICSL Variant Classification Criteria 13 December 2019. Collection method: clinical testing. Allele origin: germline.

Illumina Laboratory Services, Illumina
Classification: Likely benign for Diabetes mellitus, transient neonatal, 2. Last evaluated: 2017-04-28. Review status: criteria provided, single submitter. Criteria: ICSL Variant Classification Criteria 13 December 2019. Collection method: clinical testing. Allele origin: germline.
Comment: This variant was observed as part of a predisposition screen in an ostensibly healthy population. A literature search was performed for the gene, cDNA change, and amino acid change (where applicable). No publications were found based on this search. Allele frequency data from public databases allowed determination this variant is unlikely to cause disease. Therefore, this variant is classified as likely benign.

Illumina Laboratory Services, Illumina
Classification: Uncertain significance for Hyperinsulinemic hypoglycemia, familial, 1. Last evaluated: 2017-04-28. Review status: criteria provided, single submitter. Criteria: ICSL Variant Classification Criteria 13 December 2019. Collection method: clinical testing. Allele origin: germline.
Comment: This variant was observed as part of a predisposition screen in an ostensibly healthy population. A literature search was performed for the gene, cDNA change, and amino acid change (where applicable). Publications were found based on this search. However, the evidence from the literature, in combination with allele frequency data from public databases where available, was not sufficient to rule this variant in or out of causing disease. Therefore, this variant is classified as a variant of unknown significance.

Personalized Diabetes Medicine Program, University of Maryland School of Medicine
Classification: Uncertain significance for Monogenic diabetes. Last evaluated: 2016-09-23. Review status: criteria provided, single submitter. Criteria: ACMG Guidelines, 2015. Collection method: research. Allele origin: unknown. Observed: 1 variant allele, 1 heterozygote. Study: Personalized Diabetes Medicine Program.
Comment: ACMG Criteria:PP3, PS3 (functional evidence PMID 18346985). Notes: Family study showed one child of the proband with impaired glucose intolerance and the variant and another child of the same proband with normal glucose tolerance and the variant in PMID 22210575

Natera, Inc.
Classification: Uncertain significance for Hereditary hyperinsulinism. Last evaluated: 2020-09-16. Review status: no assertion criteria provided. Collection method: clinical testing. Allele origin: germline. Not counted in ClinVar's aggregate classification.

Literature cited by the submitters: PubMed 18346985 (cited by 5 submitters); PubMed 22210575 (cited by 5 submitters); PubMed 29207974 (cited by Labcorp Genetics (formerly Invitae), Labcorp); PubMed 24768178 (cited by Athena Diagnostics and Illumina Laboratory Services, Illumina); PubMed 18599530 (cited by Illumina Laboratory Services, Illumina).

NM_000352.6(ABCC8):c.1067A>G (p.Tyr356Cys)

Gene: ABCC8 (ATP binding cassette subfamily C member 8; minus strand). Cytogenetic location: 11p15.1.
Variant type: single nucleotide variant.
Coding change: c.1067A>G on transcript NM_000352.6 (MANE Select); coding-DNA position 1067, A replaced by G.
Protein change: p.Tyr356Cys; replaces tyrosine 356 with cysteine.
Molecular consequence: missense variant. On other transcripts: non-coding transcript variant (1).
Genome position (GRCh38, 1-based): chr11:17,453,228, T>C on the plus strand (A>G on the coding strand, the complement: ABCC8 is on the minus strand). VCF-style: chr11-17453228-T-C. GRCh37 (hg19) VCF-style: chr11-17474775-T-C.
Other names: c.1067A>G, p.Tyr356Cys (NM_001287174.3, NM_001351295.2); c.1064A>G, p.Tyr355Cys (NM_001351296.2, NM_001351297.2); short protein forms Y356C, Y355C.
Identifiers: ClinVar variation 393429 (VCV000393429.13), dbSNP rs59852838, ClinGen allele CA5903679.